The following is an entry in ClinVar:

NM_000266.4(NDP):c.384C>A (p.Cys128Ter)

Genes: NDP (norrin cystine knot growth factor NDP; minus strand), NDP-AS1 (NDP antisense RNA 1; plus strand). Cytogenetic location: Xp11.3.
Variant type: single nucleotide variant.
Coding change: c.384C>A on transcript NM_000266.4 (MANE Select); coding-DNA position 384, C replaced by A.
Protein change: p.Cys128Ter; replaces cysteine 128 with a stop codon.
Molecular consequence: nonsense. On other transcripts: non-coding transcript variant (1).
Genome position (GRCh38, 1-based): chrX:43,949,817, G>T on the plus strand (C>A on the coding strand, the complement: NDP is on the minus strand). VCF-style: chrX-43949817-G-T. GRCh37 (hg19) VCF-style: chrX-43809063-G-T.
Other names: short protein forms C128*.
Identifiers: ClinVar variation 10686 (VCV000010686.27), dbSNP rs104894873, ClinGen allele CA255473.

ClinVar aggregate classification (germline): Pathogenic/Likely pathogenic. Review status: criteria provided, multiple submitters, no conflicts (2 of 4 stars). 5 submissions from 5 submitters: Pathogenic (3); Likely pathogenic (1). 1 of the submissions does not count toward it. Last evaluated 2026-10-05.

Conditions:
Atrophia bulborum hereditaria (ND). Also called: Pseudoglioma; Norrie syndrome; Norrie-Warburg syndrome; Anderson-Warburg syndrome; Fetal iritis syndrome; Norrie Disease. Identifiers: Orphanet 649, MedGen C0266526, MONDO:0010691, OMIM 310600, HP:6000262.

Submissions (5):

GeneDx
Classification: Likely pathogenic. Last evaluated: 2026-10-05. Review status: criteria provided, single submitter. Criteria: GeneDx Variant Classification Process June 2021. Collection method: clinical testing. Allele origin: germline.
Comment: Nonsense variant predicted to result in protein truncation, as the last 6 amino acid(s) are lost, and other loss-of-function variants have been reported downstream in HGMD; Not observed at significant frequency in large population cohorts (gnomAD); Identified in patients with clinical features consistent with a NDP-related disorders in published literature (PMID: 8240113, 34860240); This variant is associated with the following publications: (PMID: 7627181, 38840272, 34860240, 8240113, 34582765)

Molecular Medicine, University of Pavia
Classification: Pathogenic for Atrophia bulborum hereditaria. Last evaluated: 2023-07-28. Review status: criteria provided, single submitter. Criteria: ACMG Guidelines, 2015. Collection method: research. Allele origin: maternal. Affected: yes. Observed: 1 variant allele.

Labcorp Genetics (formerly Invitae), Labcorp
Classification: Pathogenic. Last evaluated: 2021-07-07. Review status: criteria provided, single submitter. Criteria: Invitae Variant Classification Sherloc (09022015). Collection method: clinical testing. Allele origin: germline.
Comment: This sequence change creates a premature translational stop signal (p.Cys128*) in the NDP gene. While this is not anticipated to result in nonsense mediated decay, it is expected to disrupt the last 6 amino acid(s) of the NDP protein. This variant is not present in population databases (ExAC no frequency). This premature translational stop signal has been observed in individuals with Norrie disease (PMID: 7627181, 8240113). This variant is also known as C792A (Cys128stp). ClinVar contains an entry for this variant (Variation ID: 10686). This variant disrupts a region of the NDP protein in which other variant(s) (p.Cys131*) have been determined to be pathogenic (PMID: 25711638; Invitae). This suggests that this is a clinically significant region of the protein, and that variants that disrupt it are likely to be disease-causing. For these reasons, this variant has been classified as Pathogenic.

Eurofins Ntd Llc (ga)
Classification: Pathogenic. Last evaluated: 2016-10-10. Review status: criteria provided, single submitter. Criteria: EGL Classification Definitions 2015. Collection method: clinical testing. Allele origin: germline. Observed: 2 variant alleles, 1 heterozygote, 1 hemizygote.

OMIM
Classification: Pathogenic for NORRIE DISEASE. Last evaluated: 1993-11-01. Review status: no assertion criteria provided. Collection method: literature only. Allele origin: germline. Not counted in ClinVar's aggregate classification.

Literature cited by the submitters: PubMed 7627181 (cited by Labcorp Genetics (formerly Invitae), Labcorp); PubMed 8240113 (cited by Labcorp Genetics (formerly Invitae), Labcorp and OMIM); PubMed 25711638 (cited by Labcorp Genetics (formerly Invitae), Labcorp).